The following is an entry in ClinVar:

NM_000368.5(TSC1):c.3333del (p.Ser1111fs)

Gene: TSC1 (TSC complex subunit 1; minus strand). Cytogenetic location: 9q34.13.
Variant type: Deletion.
Coding change: c.3333del on transcript NM_000368.5 (MANE Select); coding-DNA position 3333, one base deleted (T; older notation c.3333delT).
Protein change: p.Ser1111fs; shifts the reading frame from serine 1111.
Molecular consequence: frameshift variant. On other transcripts: non-coding transcript variant (5).
Genome position (GRCh38, 1-based): chr9:132,896,397, A deleted on the plus strand (T on the coding strand, the reverse complement: TSC1 is on the minus strand). VCF-style (leftmost placement, unchanged base first): chr9-132896396-TA-T. GRCh37 (hg19) VCF-style: chr9-135771783-TA-T.
Other names: c.3330del, p.Ser1110fs (NM_001162426.2, NM_001406597.1, NM_001406598.1 and 2 more transcripts); c.3180del, p.Ser1060fs (NM_001162427.2, NM_001406610.1); c.2970del, p.Ser990fs (NM_001362177.2, NM_001406614.1, NM_001406615.1 and 4 more transcripts); c.3333del, p.Ser1111fs (NM_001406592.1, NM_001406593.1, NM_001406594.1 and 2 more transcripts); c.3318del, p.Ser1106fs (NM_001406601.1, NM_001406602.1); c.3315del, p.Ser1105fs (NM_001406603.1, NM_001406604.1); c.3291del, p.Ser1097fs (NM_001406605.1, NM_001406606.1, NM_001406607.1); c.3288del, p.Ser1096fs (NM_001406608.1, NM_001406609.1); and 8 more; short protein forms S1097fs, S1110fs, S793fs, S1045fs, S1060fs, S1105fs, S989fs, S990fs.
Identifiers: ClinVar variation 2447864 (VCV002447864.2), dbSNP rs2538432414, ClinGen allele CA2580079899.

ClinVar aggregate classification (germline): Uncertain significance (1 of 4 stars; one submission).

Conditions:
Hereditary cancer-predisposing syndrome. Also called: Neoplastic Syndromes, Hereditary; Hereditary Cancer Syndrome; Tumor predisposition; Hereditary neoplastic syndrome. Identifiers: Orphanet 140162, MedGen C0027672, MeSH D009386, MONDO:0015356.

Submission:

Ambry Genetics
Classification: Uncertain significance for Hereditary cancer-predisposing syndrome. Last evaluated: 2022-11-21. Review status: criteria provided, single submitter. Criteria: Ambry Variant Classification Scheme 2023. Collection method: clinical testing. Allele origin: germline.
Comment: The c.3333delT variant, located in coding exon 21 of the TSC1 gene, results from a deletion of one nucleotide at nucleotide position 3333, causing a translational frameshift with a predicted alternate stop codon (p.S1111Rfs*7). This alteration occurs at the 3' terminus of theTSC1 gene, is not expected to trigger nonsense-mediated mRNAdecay, and only impacts the last 55 amino acids of the protein. The exact functional effect of this alteration is unknown. Since supporting evidence is limited at this time, the clinical significance of this alteration remains unclear.